The following is an entry in ClinVar:

ClinVar aggregate classification (germline): Uncertain significance. Review status: criteria provided, multiple submitters, no conflicts (2 of 4 stars). 3 submissions from 3 submitters: Uncertain significance (3). Last evaluated 2025-06-07.

Conditions:
Bethlem myopathy 1A. Also called: Bethlem Muscular Dystrophy; Bethlem myopathy 1; MYOPATHY, BENIGN CONGENITAL, WITH CONTRACTURES. Identifiers: Orphanet 610, MedGen CN029274, MONDO:0024530, OMIM 158810.

Allele frequency attached by ClinVar (database versions not stated): gnomAD exomes below 0.00001.
gnomAD v4.1: 5 of 1,614,120 alleles (0.00031%); highest among the groups gnomAD compares: East Asian, 0.0022%; no homozygotes.

Submissions (3):

GeneDx
Classification: Uncertain significance. Last evaluated: 2025-06-07. Review status: criteria provided, single submitter. Criteria: GeneDx Variant Classification Process June 2021. Collection method: clinical testing. Allele origin: germline. Affected: yes.
Comment: Not observed at significant frequency in large population cohorts (gnomAD); In silico analysis supports that this missense variant has a deleterious effect on protein structure/function; Has not been previously published as pathogenic or benign to our knowledge

Labcorp Genetics (formerly Invitae), Labcorp
Classification: Uncertain significance for Bethlem myopathy 1A. Last evaluated: 2025-02-17. Review status: criteria provided, single submitter. Criteria: Invitae Variant Classification Sherloc (09022015). Collection method: clinical testing. Allele origin: germline.
Comment: This sequence change replaces arginine, which is basic and polar, with cysteine, which is neutral and slightly polar, at codon 2073 of the COL6A3 protein (p.Arg2073Cys). This variant is not present in population databases (gnomAD no frequency). This variant has not been reported in the literature in individuals affected with COL6A3-related conditions. ClinVar contains an entry for this variant (Variation ID: 967957). Invitae Evidence Modeling of protein sequence and biophysical properties (such as structural, functional, and spatial information, amino acid conservation, physicochemical variation, residue mobility, and thermodynamic stability) indicates that this missense variant is expected to disrupt COL6A3 protein function with a positive predictive value of 80%. In summary, the available evidence is currently insufficient to determine the role of this variant in disease. Therefore, it has been classified as a Variant of Uncertain Significance.

Women's Health and Genetics/Laboratory Corporation of America, LabCorp
Classification: Uncertain significance. Last evaluated: 2024-10-15. Review status: criteria provided, single submitter. Criteria: LabCorp Variant Classification Summary - May 2015. Collection method: clinical testing. Allele origin: germline.
Comment: Variant summary: COL6A3 c.6217C>T (p.Arg2073Cys) results in a non-conservative amino acid change located in the Collagen triple helix repeat (IPR008160) of the encoded protein sequence. Five of five in-silico tools predict a damaging effect of the variant on protein function. The variant was absent in 251230 control chromosomes (gnomAD). The available data on variant occurrences in the general population are insufficient to allow any conclusion about variant significance. To our knowledge, no occurrence of c.6217C>T in individuals affected with Ullrich congenital muscular dystrophy 1-AR and no experimental evidence demonstrating its impact on protein function have been reported. ClinVar contains an entry for this variant (Variation ID: 967957). Based on the evidence outlined above, the variant was classified as uncertain significance.

NM_004369.4(COL6A3):c.6217C>T (p.Arg2073Cys)

Gene: COL6A3 (collagen type VI alpha 3 chain; minus strand). Cytogenetic location: 2q37.3.
Variant type: single nucleotide variant.
Coding change: c.6217C>T on transcript NM_004369.4 (MANE Select); coding-DNA position 6217, C replaced by T.
Protein change: p.Arg2073Cys; replaces arginine 2073 with cysteine.
Molecular consequence: missense variant.
Genome position (GRCh38, 1-based): chr2:237,360,153, G>A on the plus strand (C>T on the coding strand, the complement: COL6A3 is on the minus strand). VCF-style: chr2-237360153-G-A. GRCh37 (hg19) VCF-style: chr2-238268796-G-A.
Other names: c.4396C>T, p.Arg1466Cys (NM_057166.5); c.5599C>T, p.Arg1867Cys (NM_057167.4); short protein forms R2073C, R1466C, R1867C.
Identifiers: ClinVar variation 967957 (VCV000967957.10), dbSNP rs1306849935, ClinGen allele CA351216740.